The following is an entry in ClinVar:

NM_002470.4(MYH3):c.1880C>T (p.Thr627Met)

Gene: MYH3 (myosin heavy chain 3; minus strand). Cytogenetic location: 17p13.1.
Variant type: single nucleotide variant.
Coding change: c.1880C>T on transcript NM_002470.4 (MANE Select); coding-DNA position 1880, C replaced by T.
Protein change: p.Thr627Met; replaces threonine 627 with methionine.
Molecular consequence: missense variant.
Genome position (GRCh38, 1-based): chr17:10,642,425, G>A on the plus strand (C>T on the coding strand, the complement: MYH3 is on the minus strand). VCF-style: chr17-10642425-G-A. GRCh37 (hg19) VCF-style: chr17-10545742-G-A.
Other names: c.1880C>T (NM_002470.3); short protein forms T627M.
Identifiers: ClinVar variation 1413863 (VCV001413863.8), dbSNP rs370119974, ClinGen allele CA8392926.
Genomic context (GRCh38, chr17:10,642,425, plus strand): 5'-TACTGTGGAACAAATGGAGGGAAATCACATGGACACAAAGCACTCCTCTTACCATCCGCC[G>A]TGGCAAACGTGGCATAGAGGTGTGCCAGGAGCCTGTTGGAAGACTTCTGGTACAGCCCAA-3'
Protein context (NP_002461.2, residues 617-637): LLAHLYATFA[Thr627Met]ADADSGKKKV

ClinVar aggregate classification (germline): Uncertain significance. Review status: criteria provided, multiple submitters, no conflicts (2 of 4 stars). 3 submissions from 3 submitters: Uncertain significance (3). Last evaluated 2025-08-05.

Conditions:
Inborn genetic diseases. Identifiers: MedGen C0950123, MeSH D030342.

Allele frequency attached by ClinVar (database versions not stated): TOPMed 0.00003; gnomAD 0.00007; ESP Exome Variant Server 0.00008; 1000 Genomes Project 0.00020; 1000 Genomes Project 30x 0.00031.
gnomAD v4.1: 59 of 1,614,172 alleles (0.0037%); highest among the groups gnomAD compares: East Asian, 0.022%; no homozygotes.

Submissions (3):

Labcorp Genetics (formerly Invitae), Labcorp
Classification: Uncertain significance. Last evaluated: 2025-08-05. Review status: criteria provided, single submitter. Criteria: Invitae Variant Classification Sherloc (09022015). Collection method: clinical testing. Allele origin: germline.
Comment: This sequence change replaces threonine, which is neutral and polar, with methionine, which is neutral and non-polar, at codon 627 of the MYH3 protein (p.Thr627Met). This variant is present in population databases (rs370119974, gnomAD 0.01%). This variant has not been reported in the literature in individuals affected with MYH3-related conditions. ClinVar contains an entry for this variant (Variation ID: 1413863). Invitae Evidence Modeling of protein sequence and biophysical properties (such as structural, functional, and spatial information, amino acid conservation, physicochemical variation, residue mobility, and thermodynamic stability) indicates that this missense variant is not expected to disrupt MYH3 protein function with a negative predictive value of 95%. In summary, the available evidence is currently insufficient to determine the role of this variant in disease. Therefore, it has been classified as a Variant of Uncertain Significance.

Blueprint Genetics
Classification: Uncertain significance. Last evaluated: 2024-10-11. Review status: criteria provided, single submitter. Criteria: ACMG Guidelines, 2015. Collection method: clinical testing. Allele origin: germline.

Ambry Genetics
Classification: Uncertain significance for Inborn genetic diseases. Last evaluated: 2023-01-10. Review status: criteria provided, single submitter. Criteria: Ambry Variant Classification Scheme 2023. Collection method: clinical testing. Allele origin: germline.